The following is an entry in ClinVar:

ClinVar aggregate classification (germline): Uncertain significance (1 of 4 stars; one submission).

Conditions:
Hereditary cancer-predisposing syndrome. Also called: Tumor predisposition; Hereditary neoplastic syndrome; Hereditary Cancer Syndrome; Neoplastic Syndromes, Hereditary. Identifiers: Orphanet 140162, MedGen C0027672, MeSH D009386, MONDO:0015356.

Submission:

Ambry Genetics
Classification: Uncertain significance for Hereditary cancer-predisposing syndrome. Last evaluated: 2023-10-06. Review status: criteria provided, single submitter. Criteria: Ambry Variant Classification Scheme 2023. Collection method: clinical testing. Allele origin: germline.
Comment: The p.D109Y variant (also known as c.325G>T), located in coding exon 1 of the AXIN2 gene, results from a G to T substitution at nucleotide position 325. The aspartic acid at codon 109 is replaced by tyrosine, an amino acid with highly dissimilar properties. This amino acid position is conserved. In addition, this alteration is predicted to be tolerated by in silico analysis. Since supporting evidence is limited at this time, the clinical significance of this alteration remains unclear.

NM_004655.4(AXIN2):c.325G>T (p.Asp109Tyr)

Gene: AXIN2 (axin 2; minus strand). Cytogenetic location: 17q24.1.
Variant type: single nucleotide variant.
Coding change: c.325G>T on transcript NM_004655.4 (MANE Select); coding-DNA position 325, G replaced by T.
Protein change: p.Asp109Tyr; replaces aspartic acid 109 with tyrosine.
Molecular consequence: missense variant.
Genome position (GRCh38, 1-based): chr17:65,558,296, C>A on the plus strand (G>T on the coding strand, the complement: AXIN2 is on the minus strand). VCF-style: chr17-65558296-C-A. GRCh37 (hg19) VCF-style: chr17-63554414-C-A.
Other names: c.325G>T, p.Asp109Tyr (NM_001363813.1); short protein forms D109Y.
Identifiers: ClinVar variation 3224405 (VCV003224405.1), dbSNP rs2144587892, ClinGen allele CA400681649.